The following is an entry in ClinVar:

NM_000268.4(NF2):c.1074G>C (p.Arg358Ser)

Gene: NF2 (NF2, moesin-ezrin-radixin like (MERLIN) tumor suppressor; plus strand). Cytogenetic location: 22q12.2.
Variant type: single nucleotide variant.
Coding change: c.1074G>C on transcript NM_000268.4 (MANE Select); coding-DNA position 1074, G replaced by C.
Protein change: p.Arg358Ser; replaces arginine 358 with serine.
Molecular consequence: missense variant. On other transcripts: non-coding transcript variant (1), intron variant (1).
Genome position (GRCh38, 1-based): chr22:29,671,900, G>C. VCF-style: chr22-29671900-G-C. GRCh37 (hg19) VCF-style: chr22-30067889-G-C.
Other names: c.1074G>C, p.Arg358Ser (NM_016418.5, NM_181825.3, NM_181832.3); c.948G>C, p.Arg316Ser (NM_181828.3); c.951G>C, p.Arg317Ser (NM_181829.3); c.825G>C, p.Arg275Ser (NM_181830.3, NM_181831.3); c.448-22852G>C (NM_181833.3); c.1074G>C (NM_000268.3); short protein forms R275S, R316S, R317S, R358S.
Identifiers: ClinVar variation 1511907 (VCV001511907.7), dbSNP rs770949972, ClinGen allele CA036777.

ClinVar aggregate classification (germline): Conflicting classifications of pathogenicity. Review status: criteria provided, conflicting classifications (1 of 4 stars). 2 submissions from 2 submitters: Uncertain significance (1); Likely benign (1). Last evaluated 2026-07-02.

Conditions:
Hereditary cancer-predisposing syndrome. Also called: Hereditary Cancer Syndrome; Tumor predisposition; Neoplastic Syndromes, Hereditary; Hereditary neoplastic syndrome. Identifiers: Orphanet 140162, MedGen C0027672, MeSH D009386, MONDO:0015356.
Neurofibromatosis, type 2 (SWNV). Also called: SCHWANNOMATOSIS, VESTIBULAR; BILATERAL ACOUSTIC NEUROFIBROMATOSIS; NF2-Related Schwannomatosis. Identifiers: Orphanet 637, MedGen C0027832, MONDO:0007039, OMIM 101000. Disease mechanism: loss of function.

Allele frequency attached by ClinVar (database versions not stated): ExAC 0.00001; gnomAD 0.00001; gnomAD exomes 0.00002.

Submissions (2):

Ambry Genetics
Classification: Likely benign for Hereditary cancer-predisposing syndrome. Last evaluated: 2026-07-02. Review status: criteria provided, single submitter. Criteria: Ambry Variant Classification Scheme 2023. Collection method: clinical testing. Allele origin: germline.

Labcorp Genetics (formerly Invitae), Labcorp
Classification: Uncertain significance for Neurofibromatosis, type 2. Last evaluated: 2024-05-07. Review status: criteria provided, single submitter. Criteria: Invitae Variant Classification Sherloc (09022015). Collection method: clinical testing. Allele origin: germline.
Comment: This sequence change replaces arginine, which is basic and polar, with serine, which is neutral and polar, at codon 358 of the NF2 protein (p.Arg358Ser). This variant is present in population databases (rs770949972, gnomAD 0.03%). This variant has not been reported in the literature in individuals affected with NF2-related conditions. ClinVar contains an entry for this variant (Variation ID: 1511907). Advanced modeling of protein sequence and biophysical properties (such as structural, functional, and spatial information, amino acid conservation, physicochemical variation, residue mobility, and thermodynamic stability) has been performed at Invitae for this missense variant, however the output from this modeling did not meet the statistical confidence thresholds required to predict the impact of this variant on NF2 protein function. In summary, the available evidence is currently insufficient to determine the role of this variant in disease. Therefore, it has been classified as a Variant of Uncertain Significance.